The following is an entry in ClinVar:

ClinVar aggregate classification (germline): Uncertain significance. Review status: criteria provided, multiple submitters, no conflicts (2 of 4 stars). 2 submissions from 2 submitters: Uncertain significance (2). Last evaluated 2021-05-31.

Conditions:
Bethlem myopathy 1A. Also called: MYOPATHY, BENIGN CONGENITAL, WITH CONTRACTURES; Bethlem Muscular Dystrophy; Bethlem myopathy 1. Identifiers: Orphanet 610, MedGen CN029274, MONDO:0024530, OMIM 158810.

Allele frequency attached by ClinVar (database versions not stated): gnomAD exomes below 0.00001; gnomAD 0.00001; TOPMed 0.00001.
gnomAD v4.1: 9 of 1,614,088 alleles (0.00056%); highest among the groups gnomAD compares: East Asian, 0.0045%; no homozygotes.

Submissions (2):

Labcorp Genetics (formerly Invitae), Labcorp
Classification: Uncertain significance for Bethlem myopathy 1A. Last evaluated: 2021-05-31. Review status: criteria provided, single submitter. Criteria: Invitae Variant Classification Sherloc (09022015). Collection method: clinical testing. Allele origin: germline.
Comment: In summary, the available evidence is currently insufficient to determine the role of this variant in disease. Therefore, it has been classified as a Variant of Uncertain Significance. Advanced modeling of protein sequence and biophysical properties (such as structural, functional, and spatial information, amino acid conservation, physicochemical variation, residue mobility, and thermodynamic stability) performed at Invitae indicates that this missense variant is not expected to disrupt COL6A3 protein function. This variant has not been reported in the literature in individuals with COL6A3-related conditions. This variant is not present in population databases (ExAC no frequency). This sequence change replaces valine with methionine at codon 172 of the COL6A3 protein (p.Val172Met). The valine residue is weakly conserved and there is a small physicochemical difference between valine and methionine.

Revvity Omics, Revvity
Classification: Uncertain significance. Last evaluated: 2021-05-17. Review status: criteria provided, single submitter. Criteria: ACMG Guidelines, 2015. Collection method: clinical testing. Allele origin: germline.

NM_004369.4(COL6A3):c.514G>A (p.Val172Met)

Gene: COL6A3 (collagen type VI alpha 3 chain; minus strand). Cytogenetic location: 2q37.3.
Variant type: single nucleotide variant.
Coding change: c.514G>A on transcript NM_004369.4 (MANE Select); coding-DNA position 514, G replaced by A.
Protein change: p.Val172Met; replaces valine 172 with methionine.
Molecular consequence: missense variant. On other transcripts: intron variant (4).
Genome position (GRCh38, 1-based): chr2:237,394,782, C>T on the plus strand (G>A on the coding strand, the complement: COL6A3 is on the minus strand). VCF-style: chr2-237394782-C-T. GRCh37 (hg19) VCF-style: chr2-238303425-C-T.
Other names: c.91+1945G>A (NM_057166.5, NM_057167.4, NM_057164.5 and 1 more transcripts); short protein forms V172M.
Identifiers: ClinVar variation 1434421 (VCV001434421.10), dbSNP rs1270503233, ClinGen allele CA351226872.